The following is an entry in ClinVar:

ClinVar aggregate classification (germline): Conflicting classifications of pathogenicity. Review status: criteria provided, conflicting classifications (1 of 4 stars). 9 submissions from 9 submitters: Uncertain significance (3); Benign (1); Likely benign (3). 2 of the submissions do not count toward it. Last evaluated 2026-06-01.

Conditions:
ENG-related disorder. Also called: ENG-related condition; ENG-related disorders.
Hereditary hemorrhagic telangiectasia (HHT). Also called: Osler hemorrhagic telangiectasia syndrome; ORW DISEASE; Osler Weber Rendu syndrome; OSLER-RENDU-WEBER DISEASE. Identifiers: Orphanet 774, MedGen C0039445, MONDO:0019180. Disease mechanism: loss of function.
Cardiovascular phenotype. Identifiers: MedGen CN230736.
Haemorrhagic telangiectasia 1.
Telangiectasia, hereditary hemorrhagic, type 1 (HHT1). Also called: Osler Weber Rendu syndrome type 1; ENG-Related Hereditary Hemorrhagic Telangiectasia. Identifiers: Orphanet 774, MedGen C4551861, MONDO:0008535, OMIM 187300. Disease mechanism: loss of function.
Pulmonary hypertension, primary, 1 (PPH1). Also called: Pulmonary hypertension, familial primary, 1, with or without HHT. Identifiers: Orphanet 422, MedGen C4552070, MONDO:0024533, OMIM 178600.

Allele frequency attached by ClinVar (database versions not stated): gnomAD exomes 0.00005 and 0.00010; ExAC 0.00016; ESP Exome Variant Server 0.00023; TOPMed 0.00030; gnomAD 0.00034; 1000 Genomes Project 0.00040; 1000 Genomes Project 30x 0.00062.
gnomAD v4.1: 122 of 1,599,880 alleles (0.0076%); highest among the groups gnomAD compares: African/African-American, 0.11%; no homozygotes.

Submissions (9):

CeGaT Center for Human Genetics Tuebingen
Classification: Likely benign. Last evaluated: 2026-06-01. Review status: criteria provided, single submitter. Criteria: CeGaT Center For Human Genetics Tuebingen Variant Classification Criteria Version 2. Collection method: clinical testing. Allele origin: germline. Affected: yes. Observed: 2 variant alleles.
Comment: ENG: BS2

PreventionGenetics, part of Exact Sciences
Classification: Likely benign for ENG-related condition. Last evaluated: 2025-12-03. Review status: criteria provided, single submitter. Criteria: ACMG Guidelines, 2015. Collection method: clinical testing. Allele origin: germline.
Comment: This variant is classified as likely benign based on ACMG/AMP sequence variant interpretation guidelines (Richards et al. 2015 PMID: 25741868, with internal and published modifications).

Labcorp Genetics (formerly Invitae), Labcorp
Classification: Likely benign for Hereditary hemorrhagic telangiectasia. Last evaluated: 2025-11-17. Review status: criteria provided, single submitter. Criteria: Invitae Variant Classification Sherloc (09022015). Collection method: clinical testing. Allele origin: germline.

Ambry Genetics
Classification: Benign for Cardiovascular phenotype. Last evaluated: 2023-04-10. Review status: criteria provided, single submitter. Criteria: Ambry Variant Classification Scheme 2023. Collection method: clinical testing. Allele origin: germline.

Mendelics
Classification: Uncertain significance for Telangiectasia, hereditary hemorrhagic, type 1. Last evaluated: 2019-05-28. Review status: criteria provided, single submitter. Criteria: Mendelics Assertion Criteria 2017. Collection method: clinical testing. Allele origin: unknown.

Equipe Genetique des Anomalies du Developpement, Université de Bourgogne
Classification: Uncertain significance for Telangiectasia, hereditary hemorrhagic, type 1. Last evaluated: 2018-11-21. Review status: criteria provided, single submitter. Criteria: ACMG Guidelines, 2015. Collection method: clinical testing. Allele origin: unknown.

Baylor Genetics
Classification: Uncertain significance for Telangiectasia, hereditary hemorrhagic, type 1. Last evaluated: 2018-04-26. Review status: criteria provided, single submitter. Criteria: ACMG Guidelines, 2015. Collection method: clinical testing. Allele origin: unknown. Affected: yes.
Comment: This variant was determined to be of uncertain significance according to ACMG Guidelines, 2015 [PMID:25741868]. This variant has been previously reported in patients with hemorrhagic telangiectasia [PMID 16754821] and pulmonary arterial hypertension [PMID: 23298310]

CSER _CC_NCGL, University of Washington
Classification: Uncertain significance for Haemorrhagic telangiectasia 1. Last evaluated: 2014-06-01. Review status: no assertion criteria provided. Collection method: research. Allele origin: germline. Inheritance: Autosomal dominant inheritance. Study: ESP 6500 variant annotation. Not counted in ClinVar's aggregate classification.
Comment: Variants classified for the Actionable exomic incidental findings in 6503 participants: challenges of variant classification manuscript

Rare Disease Genomics Group, St George's University of London
Classification: Pathogenic for Primary pulmonary hypertension. Review status: no assertion criteria provided. Collection method: literature only. Allele origin: germline. Affected: yes. Not counted in ClinVar's aggregate classification.

Literature cited by the submitters: PubMed 16690726 (cited by Ambry Genetics); PubMed 16754821 (cited by Ambry Genetics and Baylor Genetics); PubMed 23298310 (cited by 3 submitters); PubMed 30665703 (cited by Ambry Genetics); PubMed 31019283 (cited by Ambry Genetics).

NM_001114753.3(ENG):c.640G>A (p.Gly214Ser)

Gene: ENG (endoglin; minus strand). Cytogenetic location: 9q34.11.
Variant type: single nucleotide variant.
Coding change: c.640G>A on transcript NM_001114753.3 (MANE Select); coding-DNA position 640, G replaced by A.
Protein change: p.Gly214Ser; replaces glycine 214 with serine.
Molecular consequence: missense variant.
Genome position (GRCh38, 1-based): chr9:127,825,744, C>T on the plus strand (G>A on the coding strand, the complement: ENG is on the minus strand). VCF-style: chr9-127825744-C-T. GRCh37 (hg19) VCF-style: chr9-130588023-C-T.
Other names: NP_001108225.1:p.G214S; c.640G>A (NM_001114753.1); c.640G>A, p.Gly214Ser (NM_000118.4, NM_001406715.1); c.94G>A, p.Gly32Ser (NM_001278138.2); short protein forms G214S, G32S.
Identifiers: ClinVar variation 161233 (VCV000161233.27), dbSNP rs150932144, ClinGen allele CA211422.